The following is an entry in ClinVar:

ClinVar aggregate classification (germline): Uncertain significance (0 of 4 stars; one submission).

Conditions:
Polycystic kidney disease. Also called: Polycystic kidney dysplasia; Kidney, Polycystic. Identifiers: MedGen C0022680, MeSH D007690, MONDO:0020642, HP:0000113.

Allele frequency attached by ClinVar (database versions not stated): gnomAD exomes 0.00001.

Submission:

Department of Pathology and Laboratory Medicine, Sinai Health System
Classification: Uncertain significance for Polycystic Kidney disease. Review status: no assertion criteria provided. Collection method: clinical testing. Allele origin: unknown. Affected: yes. Study: The Canadian Open Genetics Repository (COGR).
Comment: The PKD1 p.Pro2835Leu variant was identified in 1 of 440 proband chromosomes (frequency: 0.002) from individuals or families with autosomal dominant polycystic kidney disease (Hwang 2016).The variant was identified in dbSNP (rs2575317) as â€šÃ„ÃºNAâ€šÃ„Ã¹ and not identified in ClinVar, LOVD 3.0, ADPKD Mutation Database and PKD1-LOVD. The variant was identified in control databases in 2 of 241,968 chromosomes at a frequency of 0.000008 (Genome Aggregation Database Feb 27, 2017). The variant was observed in the following populations: European in 1 of 109,272 chromosomes (freq: 0.000009) and South Asian in 1 of 30,770 chromosomes (freq: 0.00003). The variant was not observed in the African, Other, Latino, Ashkenazi Jewish, East Asian and Finnish populations. In addition we cannot be certain that data from control databases is specific to PKD1 and not from one of the six PKD1 pseudogenes. The p.Pro2835 residue is conserved in mammals but not in more distantly related organisms, and computational analyses (PolyPhen-2, SIFT, AlignGVGD, BLOSUM, MutationTaster) suggest that the variant may impact the protein; however, this information is not predictive enough to assume pathogenicity. The variant occurs outside of the splicing consensus sequence and in silico or computational prediction software programs (SpliceSiteFinder, MaxEntScan, NNSPLICE, GeneSplicer) do not predict a difference in splicing. In summary, based on the above information the clinical significance of this variant cannot be determined with certainty at this time. This variant is classified as a variant of uncertain significance.

NM_001009944.3(PKD1):c.8504C>T (p.Pro2835Leu)

Gene: PKD1 (polycystin 1, transient receptor potential channel interacting; minus strand). Cytogenetic location: 16p13.3.
Variant type: single nucleotide variant.
Coding change: c.8504C>T on transcript NM_001009944.3 (MANE Select); coding-DNA position 8504, C replaced by T.
Protein change: p.Pro2835Leu; replaces proline 2835 with leucine.
Molecular consequence: missense variant.
Genome position (GRCh38, 1-based): chr16:2,103,553, G>A on the plus strand (C>T on the coding strand, the complement: PKD1 is on the minus strand). VCF-style: chr16-2103553-G-A. GRCh37 (hg19) VCF-style: chr16-2153554-G-A.
Other names: c.8504C>T, p.Pro2835Leu (NM_000296.4); short protein forms P2835L.
Identifiers: ClinVar variation 997221 (VCV000997221.1), dbSNP rs2575317, ClinGen allele CA276776934.